The following is an entry in ClinVar:

NM_021101.5(CLDN1):c.15G>A (p.Gly5=)

Genes: CLDN1 (claudin 1; minus strand), CLDN16 (claudin 16; plus strand). Cytogenetic location: 3q28.
Variant type: single nucleotide variant.
Coding change: c.15G>A on transcript NM_021101.5 (MANE Select); coding-DNA position 15, G replaced by A.
Protein change: p.Gly5=; no amino-acid change (glycine 5 retained).
Molecular consequence: synonymous variant.
Genome position (GRCh38, 1-based): chr3:190,322,192, C>T on the plus strand (G>A on the coding strand, the complement: CLDN1 is on the minus strand). VCF-style: chr3-190322192-C-T. GRCh37 (hg19) VCF-style: chr3-190039981-C-T.
Identifiers: ClinVar variation 261403 (VCV000261403.16), dbSNP rs78025997, ClinGen allele CA2753649.
Genomic context (GRCh38, chr3:190,322,192, plus strand): 5'-AGTGCTGACGATGGCGCCGATCCATCCCAGGAAGGCGAGAATGAAGCCCAACAGCTGCAG[C>T]CCCGCGTTGGCCATGACTCGCTCGGGCGCCCGCGCTGGCTCAGGGGTGGCAGGTGCAGAA-3'
Protein context (NP_066924.1, residues 1-15): MANA[Gly5=]LQLLGFILAF

ClinVar aggregate classification (germline): Benign/Likely benign. Review status: criteria provided, multiple submitters, no conflicts (2 of 4 stars). 5 submissions from 5 submitters: Benign (3); Likely benign (2). Last evaluated 2026-08-01.

Allele frequency attached by ClinVar (database versions not stated): 1000 Genomes Project 0.00180; 1000 Genomes Project 30x 0.00187; gnomAD 0.00302 and 0.00339; TOPMed 0.00393; ESP Exome Variant Server 0.00438.
gnomAD v4.1: 863 of 1,613,872 alleles (0.053%); highest among the groups gnomAD compares: African/African-American, 1%; 5 homozygotes.

Submissions (5):

CeGaT Center for Human Genetics Tuebingen
Classification: Likely benign. Last evaluated: 2026-08-01. Review status: criteria provided, single submitter. Criteria: CeGaT Center For Human Genetics Tuebingen Variant Classification Criteria Version 2. Collection method: clinical testing. Allele origin: germline. Affected: yes. Observed: 1 variant allele.
Comment: CLDN1: BP4, BP7, BS1

Labcorp Genetics (formerly Invitae), Labcorp
Classification: Benign. Last evaluated: 2025-11-15. Review status: criteria provided, single submitter. Criteria: Invitae Variant Classification Sherloc (09022015). Collection method: clinical testing. Allele origin: germline.

Blueprint Genetics
Classification: Likely benign. Last evaluated: 2024-10-22. Review status: criteria provided, single submitter. Criteria: ACMG Guidelines, 2015. Collection method: clinical testing. Allele origin: germline.

Eurofins Ntd Llc (ga)
Classification: Benign. Last evaluated: 2016-03-25. Review status: criteria provided, single submitter. Criteria: EGL Classification Definitions 2015. Collection method: clinical testing. Allele origin: germline. Observed: 1 variant allele, 1 heterozygote.

PreventionGenetics, part of Exact Sciences
Classification: Benign. Review status: criteria provided, single submitter. Criteria: ACMG Guidelines, 2015. Collection method: clinical testing. Allele origin: germline.